The following is an entry in ClinVar:

ClinVar aggregate classification (germline): Uncertain significance (1 of 4 stars; one submission).

Conditions:
Marfan syndrome (MFS). Also called: MARFAN SYNDROME, TYPE I; Marfan syndrome type 1; Marfan's syndrome; FBN1-Related Marfan Syndrome; Marfan syndrome, classic. Identifiers: Orphanet 284963, Orphanet 558, MedGen C0024796, MONDO:0007947, OMIM 154700.

Submission:

All of Us Research Program, National Institutes of Health
Classification: Uncertain significance for Marfan syndrome. Last evaluated: 2024-08-06. Review status: criteria provided, single submitter. Criteria: ACMG Guidelines, 2015. Collection method: clinical testing. Allele origin: germline. Inheritance: Autosomal dominant inheritance. Observed: 1 variant allele, 1 heterozygote.
Comment: This study involves interpretation of variants in research participants for the purpose of population health screening. Participant phenotype was not available at the time of variant classification. Additional details can be found in publication PMID: 35346344, PMCID: PMC8962531

NM_000138.5(FBN1):c.4433T>C (p.Leu1478Pro)

Gene: FBN1 (fibrillin 1; minus strand). Cytogenetic location: 15q21.1.
Variant type: single nucleotide variant.
Coding change: c.4433T>C on transcript NM_000138.5 (MANE Select); coding-DNA position 4433, T replaced by C.
Protein change: p.Leu1478Pro; replaces leucine 1478 with proline.
Molecular consequence: missense variant.
Genome position (GRCh38, 1-based): chr15:48,470,660, A>G on the plus strand (T>C on the coding strand, the complement: FBN1 is on the minus strand). VCF-style: chr15-48470660-A-G. GRCh37 (hg19) VCF-style: chr15-48762857-A-G.
Other names: c.4433T>C, p.Leu1478Pro (NM_001406716.1); short protein forms L1478P.
Identifiers: ClinVar variation 3386797 (VCV003386797.1).